The following is an entry in ClinVar:

NM_001035.3(RYR2):c.998C>T (p.Ser333Phe)

Gene: RYR2 (ryanodine receptor 2; plus strand). Cytogenetic location: 1q43.
Variant type: single nucleotide variant.
Coding change: c.998C>T on transcript NM_001035.3 (MANE Select); coding-DNA position 998, C replaced by T.
Protein change: p.Ser333Phe; replaces serine 333 with phenylalanine.
Molecular consequence: missense variant.
Genome position (GRCh38, 1-based): chr1:237,423,241, C>T. VCF-style: chr1-237423241-C-T. GRCh37 (hg19) VCF-style: chr1-237586541-C-T.
Other names: short protein forms S333F.
Identifiers: ClinVar variation 43842 (VCV000043842.21), dbSNP rs397516552, ClinGen allele CA011384.

ClinVar aggregate classification (germline): Conflicting classifications of pathogenicity. Review status: criteria provided, conflicting classifications (1 of 4 stars). 5 submissions from 5 submitters: Uncertain significance (1); Likely benign (4). Last evaluated 2025-10-23.

Conditions:
Cardiovascular phenotype. Identifiers: MedGen CN230736.
Cardiomyopathy (CMYO). Also called: Cardiomyopathies. Identifiers: Orphanet 167848, MedGen C0878544, MONDO:0004994, HP:0001638. Inheritance: Various modes of inheritance.
Catecholaminergic polymorphic ventricular tachycardia 1. Also called: VENTRICULAR TACHYCARDIA, CATECHOLAMINERGIC POLYMORPHIC, 1, WITH OR WITHOUT ATRIAL DYSFUNCTION AND/OR DILATED CARDIOMYOPATHY; RYR2-Related Catecholaminergic Polymorphic Ventricular Tachycardia; VENTRICULAR TACHYCARDIA, STRESS-INDUCED POLYMORPHIC 1. Identifiers: Orphanet 3286, MedGen C1631597, MONDO:0011484, OMIM 604772.
Catecholaminergic polymorphic ventricular tachycardia (CVPT). Also called: Catecholamine-induced polymorphic ventricular tachycardia. Identifiers: Orphanet 3286, MedGen C5574922, MONDO:0017990.

Allele frequency attached by ClinVar (database versions not stated): gnomAD below 0.00001 and 0.00002; TOPMed 0.00001; gnomAD exomes 0.00004 and 0.00009; ExAC 0.00011.
gnomAD v4.1: 65 of 1,612,930 alleles (0.004%); highest among the groups gnomAD compares: South Asian, 0.068%; 1 homozygote.

Submissions (5):

Labcorp Genetics (formerly Invitae), Labcorp
Classification: Likely benign for Catecholaminergic polymorphic ventricular tachycardia 1. Last evaluated: 2025-10-23. Review status: criteria provided, single submitter. Criteria: Invitae Variant Classification Sherloc (09022015). Collection method: clinical testing. Allele origin: germline.

Ambry Genetics
Classification: Likely benign for Cardiovascular phenotype. Last evaluated: 2025-08-06. Review status: criteria provided, single submitter. Criteria: Ambry Variant Classification Scheme 2023. Collection method: clinical testing. Allele origin: germline.

All of Us Research Program, National Institutes of Health
Classification: Likely benign for Catecholaminergic polymorphic ventricular tachycardia. Last evaluated: 2024-02-22. Review status: criteria provided, single submitter. Criteria: ACMG Guidelines, 2015. Collection method: clinical testing. Allele origin: germline. Inheritance: Autosomal dominant inheritance. Observed: 3 variant alleles, 3 heterozygotes.
Comment: This study involves interpretation of variants in research participants for the purpose of population health screening. Participant phenotype was not available at the time of variant classification. Additional details can be found in publication PMID: 35346344, PMCID: PMC8962531

Color Diagnostics, LLC DBA Color Health
Classification: Likely benign for Cardiomyopathy. Last evaluated: 2024-02-05. Review status: criteria provided, single submitter. Criteria: ACMG Guidelines, 2015. Collection method: clinical testing. Allele origin: germline.

Laboratory for Molecular Medicine, Mass General Brigham Personalized Medicine
Classification: Uncertain significance. Last evaluated: 2012-06-11. Review status: criteria provided, single submitter. Criteria: LMM Criteria. Collection method: clinical testing. Allele origin: germline. Observed: 1 variant allele.
Comment: The Ser333Phe variant in RYR2 has not been reported in the literature nor previo usly identified by our laboratory. Computational analyses (biochemical amino aci d properties, conservation, AlignGVGD, PolyPhen2, and SIFT) do not provide stron g support for or against pathogenicity. Additional information is needed to full y assess the clinical significance of the Ser333Phe variant.